The following is an entry in ClinVar:

ClinVar aggregate classification (germline): Benign (1 of 4 stars; one submission).

Allele frequency attached by ClinVar (database versions not stated): 1000 Genomes Project 0.00060; ExAC 0.00093; 1000 Genomes Project 30x 0.00094; gnomAD 0.00133; TOPMed 0.00147; gnomAD exomes 0.00214.
gnomAD v4.1: 2,621 of 1,289,018 alleles (0.2%); highest among the groups gnomAD compares: Non-Finnish European, 0.24%; 3 homozygotes.

Submission:

CeGaT Center for Human Genetics Tuebingen
Classification: Benign. Last evaluated: 2022-05-01. Review status: criteria provided, single submitter. Criteria: CeGaT Center For Human Genetics Tuebingen Variant Classification Criteria Version 2. Collection method: clinical testing. Allele origin: germline. Affected: yes. Observed: 1 variant allele.
Comment: PPP1R12A: BS1, BS2

NM_002480.3(PPP1R12A):c.2956-749G>A

Genes: PPP1R12A (protein phosphatase 1 regulatory subunit 12A; minus strand), PPP1R12A-AS2 (PPP1R12A antisense RNA 2; plus strand). Cytogenetic location: 12q21.2.
Variant type: single nucleotide variant.
Coding change: c.2956-749G>A on transcript NM_002480.3 (MANE Select); 749 bases into the intron before coding-DNA position 2956, G replaced by A.
Molecular consequence: intron variant. On other transcripts: non-coding transcript variant (1).
Genome position (GRCh38, 1-based): chr12:79,779,349, C>T on the plus strand (G>A on the coding strand, the complement: PPP1R12A is on the minus strand). VCF-style: chr12-79779349-C-T. GRCh37 (hg19) VCF-style: chr12-80173129-C-T.
Other names: c.2788-749G>A (NM_001244992.1); c.2851-749G>A (NM_001244990.2); c.2956-749G>A (NM_001143885.2); c.2695-749G>A (NM_001143886.2).
Identifiers: ClinVar variation 2643188 (VCV002643188.24), dbSNP rs568265420, ClinGen allele CA6699307.